The following is an entry in ClinVar:

ClinVar aggregate classification (germline): Uncertain significance. Review status: criteria provided, multiple submitters, no conflicts (2 of 4 stars). 2 submissions from 2 submitters: Uncertain significance (2). Last evaluated 2025-12-02.

Conditions:
Inborn genetic diseases. Identifiers: MedGen C0950123, MeSH D030342.

Allele frequency attached by ClinVar (database versions not stated): ExAC 0.00013; gnomAD 0.00003; TOPMed below 0.00001; 1000 Genomes Project 0.00040; 1000 Genomes Project 30x 0.00047.

Submissions (2):

Ambry Genetics
Classification: Uncertain significance for Inborn genetic diseases. Last evaluated: 2025-12-02. Review status: criteria provided, single submitter. Criteria: Ambry Variant Classification Scheme 2023. Collection method: clinical testing. Allele origin: germline.

Labcorp Genetics (formerly Invitae), Labcorp
Classification: Uncertain significance. Last evaluated: 2023-07-14. Review status: criteria provided, single submitter. Criteria: Invitae Variant Classification Sherloc (09022015). Collection method: clinical testing. Allele origin: germline.
Comment: This variant has not been reported in the literature in individuals affected with ANO6-related conditions. This sequence change replaces arginine, which is basic and polar, with cysteine, which is neutral and slightly polar, at codon 399 of the ANO6 protein (p.Arg399Cys). This variant is present in population databases (rs531217156, gnomAD 0.08%). Advanced modeling of protein sequence and biophysical properties (such as structural, functional, and spatial information, amino acid conservation, physicochemical variation, residue mobility, and thermodynamic stability) has been performed at Invitae for this missense variant, however the output from this modeling did not meet the statistical confidence thresholds required to predict the impact of this variant on ANO6 protein function. In summary, the available evidence is currently insufficient to determine the role of this variant in disease. Therefore, it has been classified as a Variant of Uncertain Significance.

NM_001025356.3(ANO6):c.1195C>T (p.Arg399Cys)

Gene: ANO6 (anoctamin 6; plus strand). Cytogenetic location: 12q12.
Variant type: single nucleotide variant.
Coding change: c.1195C>T on transcript NM_001025356.3 (MANE Select); coding-DNA position 1195, C replaced by T.
Protein change: p.Arg399Cys; replaces arginine 399 with cysteine.
Molecular consequence: missense variant.
Genome position (GRCh38, 1-based): chr12:45,388,190, C>T. VCF-style: chr12-45388190-C-T. GRCh37 (hg19) VCF-style: chr12-45781973-C-T.
Other names: c.1141C>T, p.Arg381Cys (NM_001142678.2); c.1195C>T, p.Arg399Cys (NM_001142679.2); c.1258C>T, p.Arg420Cys (NM_001204803.2); c.1162C>T, p.Arg388Cys (NM_001410973.1); c.1195C>T (NM_001025356.2); short protein forms R388C, R399C, R381C, R420C.
Identifiers: ClinVar variation 2883319 (VCV002883319.2), dbSNP rs531217156, ClinGen allele CA6525261.